The following is an entry in ClinVar:

ClinVar aggregate classification (germline): Uncertain significance (1 of 4 stars; one submission).

Allele frequency attached by ClinVar (database versions not stated): 1000 Genomes Project 30x 0.00016.
gnomAD v4.1: 12 of 1,566,448 alleles (0.00077%); highest among the groups gnomAD compares: Admixed American, 0.022%; no homozygotes.

Submission:

Labcorp Genetics (formerly Invitae), Labcorp
Classification: Uncertain significance. Last evaluated: 2024-01-06. Review status: criteria provided, single submitter. Criteria: Invitae Variant Classification Sherloc (09022015). Collection method: clinical testing. Allele origin: germline.
Comment: This sequence change replaces proline, which is neutral and non-polar, with arginine, which is basic and polar, at codon 1595 of the SIPA1L3 protein (p.Pro1595Arg). This variant is present in population databases (rs763198564, gnomAD 0.03%). This variant has not been reported in the literature in individuals affected with SIPA1L3-related conditions. An algorithm developed to predict the effect of missense changes on protein structure and function (PolyPhen-2) suggests that this variant is likely to be tolerated. In summary, the available evidence is currently insufficient to determine the role of this variant in disease. Therefore, it has been classified as a Variant of Uncertain Significance.

NM_015073.3(SIPA1L3):c.4784C>G (p.Pro1595Arg)

Gene: SIPA1L3 (signal induced proliferation associated 1 like 3; plus strand). Cytogenetic location: 19q13.13.
Variant type: single nucleotide variant.
Coding change: c.4784C>G on transcript NM_015073.3 (MANE Select); coding-DNA position 4784, C replaced by G.
Protein change: p.Pro1595Arg; replaces proline 1595 with arginine.
Molecular consequence: missense variant.
Genome position (GRCh38, 1-based): chr19:38,193,724, C>G. VCF-style: chr19-38193724-C-G. GRCh37 (hg19) VCF-style: chr19-38684364-C-G.
Other names: short protein forms P1595R.
Identifiers: ClinVar variation 2722717 (VCV002722717.3), dbSNP rs763198564, ClinGen allele CA9410471.